The following is an entry in ClinVar:

ClinVar aggregate classification (germline): Benign. Review status: criteria provided, multiple submitters, no conflicts (2 of 4 stars). 2 submissions from 2 submitters: Benign (2). Last evaluated 2018-01-13.

Conditions:
Diaphyseal medullary stenosis-bone malignancy syndrome. Also called: MYOPATHY, LIMB-GIRDLE, WITH BONE FRAGILITY; BONE DYSPLASIA WITH MALIGNANT FIBROUS HISTIOCYTOMA; BONE DYSPLASIA WITH MEDULLARY FIBROSARCOMA. Identifiers: Orphanet 85182, MedGen C1862177, MONDO:0007205, OMIM 112250.

Allele frequency attached by ClinVar (database versions not stated): 1000 Genomes Project 0.03894; 1000 Genomes Project 30x 0.03904; gnomAD exomes 0.06897; TOPMed 0.08455; gnomAD 0.09015 and 0.09270.
gnomAD v4.1: 13,636 of 152,150 alleles (9%); highest among the groups gnomAD compares: Non-Finnish European, 14%; 852 homozygotes.

Submissions (2):

Illumina Laboratory Services, Illumina
Classification: Benign for Diaphyseal medullary stenosis-bone malignancy syndrome. Last evaluated: 2018-01-13. Review status: criteria provided, single submitter. Criteria: ICSL Variant Classification Criteria 13 December 2019. Collection method: clinical testing. Allele origin: germline.
Comment: This variant was observed in the ICSL laboratory as part of a predisposition screen in an ostensibly healthy population. It had not been previously curated by ICSL or reported in the Human Gene Mutation Database (HGMD: prior to June 1st, 2018), and was therefore a candidate for classification through an automated scoring system. Utilizing variant allele frequency, disease prevalence and penetrance estimates, and inheritance mode, an automated score was calculated to assess if this variant is too frequent to cause the disease. Based on the score and internal cut-off values, a variant classified as benign is not then subjected to further curation. The score for this variant resulted in a classification of benign for this disease.

Breakthrough Genomics
Classification: Benign. Review status: criteria provided, single submitter. Criteria: ACMG Guidelines, 2015. Collection method: not provided. Allele origin: germline. Inheritance: Autosomal dominant inheritance. Affected: yes.

NM_002451.4(MTAP):c.*536G>A

Gene: MTAP (methylthioadenosine phosphorylase; plus strand). Cytogenetic location: 9p21.3.
Variant type: single nucleotide variant.
Coding change: c.*536G>A on transcript NM_002451.4 (MANE Select); 536 bases downstream of the stop codon, G replaced by A.
Molecular consequence: 3 prime UTR variant.
Genome position (GRCh38, 1-based): chr9:21,862,550, G>A. VCF-style: chr9-21862550-G-A. GRCh37 (hg19) VCF-style: chr9-21862549-G-A.
Identifiers: ClinVar variation 366261 (VCV000366261.6), dbSNP rs1134870, ClinGen allele CA10629767.